The following is an entry in ClinVar:

NM_021035.3(ZNFX1):c.2613T>C (p.His871=)

Gene: ZNFX1 (zinc finger NFX1-type containing 1; minus strand). Cytogenetic location: 20q13.13.
Variant type: single nucleotide variant.
Coding change: c.2613T>C on transcript NM_021035.3 (MANE Select); coding-DNA position 2613, T replaced by C.
Protein change: p.His871=; no amino-acid change (histidine 871 retained).
Molecular consequence: synonymous variant.
Genome position (GRCh38, 1-based): chr20:49,257,468, A>G on the plus strand (T>C on the coding strand, the complement: ZNFX1 is on the minus strand). VCF-style: chr20-49257468-A-G. GRCh37 (hg19) VCF-style: chr20-47874005-A-G.
Identifiers: ClinVar variation 2688235 (VCV002688235.2), dbSNP rs3021, ClinGen allele CA9902252.

ClinVar aggregate classification (germline): Benign (1 of 4 stars; one submission).

Allele frequency attached by ClinVar (database versions not stated): 1000 Genomes Project 0.13798; 1000 Genomes Project 30x 0.13976; ExAC 0.17584; TOPMed 0.18522; gnomAD 0.19182; gnomAD exomes 0.20213; ESP Exome Variant Server 0.20837.
gnomAD v4.1: 323,597 of 1,613,772 alleles (20%); highest among the groups gnomAD compares: Non-Finnish European, 22%; 33,913 homozygotes.

Submission:

Unidad de Genómica Garrahan, Hospital de Pediatría Garrahan
Classification: Benign. Last evaluated: 2024-01-24. Review status: criteria provided, single submitter. Criteria: ACMG Guidelines, 2015. Collection method: clinical testing. Allele origin: germline. Affected: no. Observed: 30 variant alleles.
Comment: This variant is classified as Benign based on local population frequency. This variant was detected in 32% of patients studied by a panel of primary immunodeficiencies. Number of patients: 30. Only high quality variants are reported.